The following is an entry in ClinVar:

NM_019066.5(MAGEL2):c.2488G>A (p.Ala830Thr)

Gene: MAGEL2 (MAGE family member L2; minus strand). Cytogenetic location: 15q11.2.
Variant type: single nucleotide variant.
Coding change: c.2488G>A on transcript NM_019066.5 (MANE Select); coding-DNA position 2488, G replaced by A.
Protein change: p.Ala830Thr; replaces alanine 830 with threonine.
Molecular consequence: missense variant.
Genome position (GRCh38, 1-based): chr15:23,645,255, C>T on the plus strand (G>A on the coding strand, the complement: MAGEL2 is on the minus strand). VCF-style: chr15-23645255-C-T. GRCh37 (hg19) VCF-style: chr15-23890402-C-T.
Other names: short protein forms A830T.
Identifiers: ClinVar variation 2905581 (VCV002905581.3), dbSNP rs578201888, ClinGen allele CA7429890.

ClinVar aggregate classification (germline): Uncertain significance (1 of 4 stars; one submission).

Allele frequency attached by ClinVar (database versions not stated): gnomAD 0.00001; ExAC 0.00002; 1000 Genomes Project 30x 0.00016; 1000 Genomes Project 0.00020.
gnomAD v4.1: 11 of 1,613,812 alleles (0.00068%); highest among the groups gnomAD compares: South Asian, 0.0088%; no homozygotes.

Submission:

Labcorp Genetics (formerly Invitae), Labcorp
Classification: Uncertain significance. Last evaluated: 2023-06-21. Review status: criteria provided, single submitter. Criteria: Invitae Variant Classification Sherloc (09022015). Collection method: clinical testing. Allele origin: germline.
Comment: In summary, the available evidence is currently insufficient to determine the role of this variant in disease. Therefore, it has been classified as a Variant of Uncertain Significance. Advanced modeling of protein sequence and biophysical properties (such as structural, functional, and spatial information, amino acid conservation, physicochemical variation, residue mobility, and thermodynamic stability) performed at Invitae indicates that this missense variant is not expected to disrupt MAGEL2 protein function. This sequence change replaces alanine, which is neutral and non-polar, with threonine, which is neutral and polar, at codon 830 of the MAGEL2 protein (p.Ala830Thr). This variant is present in population databases (rs578201888, gnomAD 0.006%). This variant has not been reported in the literature in individuals affected with MAGEL2-related conditions.